The following is an entry in ClinVar:

ClinVar aggregate classification (germline): Likely benign (1 of 4 stars; one submission).

Allele frequency attached by ClinVar (database versions not stated): gnomAD exomes 0.00005; gnomAD 0.00016; TOPMed 0.00019.
gnomAD v4.1: 89 of 1,300,182 alleles (0.0068%); highest among the groups gnomAD compares: Admixed American, 0.1%; 2 homozygotes.

Submission:

CeGaT Center for Human Genetics Tuebingen
Classification: Likely benign. Last evaluated: 2026-03-01. Review status: criteria provided, single submitter. Criteria: CeGaT Center For Human Genetics Tuebingen Variant Classification Criteria Version 2. Collection method: clinical testing. Allele origin: germline. Affected: yes. Observed: 2 variant alleles.
Comment: PSTPIP1: BP4, BS1

NM_003978.5(PSTPIP1):c.*125T>C

Gene: PSTPIP1 (proline-serine-threonine phosphatase interacting protein 1; plus strand). Cytogenetic location: 15q24.3.
Variant type: single nucleotide variant.
Coding change: c.*125T>C on transcript NM_003978.5 (MANE Select); 125 bases downstream of the stop codon, T replaced by C.
Molecular consequence: 3 prime UTR variant. On other transcripts: non-coding transcript variant (1).
Genome position (GRCh38, 1-based): chr15:77,037,301, T>C. VCF-style: chr15-77037301-T-C. GRCh37 (hg19) VCF-style: chr15-77329642-T-C.
Other names: c.*125T>C (NM_001321135.2, NM_001321136.2, NM_001321137.1 and 1 more transcripts).
Identifiers: ClinVar variation 2645588 (VCV002645588.24), dbSNP rs968145121, ClinGen allele CA273766680.